The following is an entry in ClinVar:

NM_001197104.2(KMT2A):c.8039A>T (p.Asp2680Val)

Gene: KMT2A (lysine methyltransferase 2A; plus strand). Cytogenetic location: 11q23.3.
Variant type: single nucleotide variant.
Coding change: c.8039A>T on transcript NM_001197104.2 (MANE Select); coding-DNA position 8039, A replaced by T.
Protein change: p.Asp2680Val; replaces aspartic acid 2680 with valine.
Molecular consequence: missense variant.
Genome position (GRCh38, 1-based): chr11:118,503,931, A>T. VCF-style: chr11-118503931-A-T. GRCh37 (hg19) VCF-style: chr11-118374646-A-T.
Other names: c.8030A>T, p.Asp2677Val (NM_005933.4); short protein forms D2680V, D2677V.
Identifiers: ClinVar variation 1473152 (VCV001473152.6), dbSNP rs2134396064, ClinGen allele CA382808385.
Genomic context (GRCh38, chr11:118,503,931, plus strand): 5'-GCAAGAGATCAGCTGAAGGACAGGTGGATGGGGCCGATGACTTAAGCACTTCAGATGAAG[A>T]CGACTTATACTATTACAACTTCACTAGAACAGTGATTTCTTCAGGTGGAGAGGAACGACT-3'
Protein context (NP_001184033.1, residues 2670-2690): GADDLSTSDE[Asp2680Val]DLYYYNFTRT

ClinVar aggregate classification (germline): Uncertain significance (1 of 4 stars; one submission).

Submission:

Labcorp Genetics (formerly Invitae), Labcorp
Classification: Uncertain significance. Last evaluated: 2021-09-15. Review status: criteria provided, single submitter. Criteria: Invitae Variant Classification Sherloc (09022015). Collection method: clinical testing. Allele origin: germline.
Comment: In summary, the available evidence is currently insufficient to determine the role of this variant in disease. Therefore, it has been classified as a Variant of Uncertain Significance. Advanced modeling of protein sequence and biophysical properties (such as structural, functional, and spatial information, amino acid conservation, physicochemical variation, residue mobility, and thermodynamic stability) performed at Invitae indicates that this missense variant is expected to disrupt KMT2A protein function. This variant has not been reported in the literature in individuals affected with KMT2A-related conditions. This variant is not present in population databases (ExAC no frequency). This sequence change replaces aspartic acid with valine at codon 2680 of the KMT2A protein (p.Asp2680Val). The aspartic acid residue is moderately conserved and there is a large physicochemical difference between aspartic acid and valine.